The following is an entry in ClinVar:

NM_004744.5(LRAT):c.583G>A (p.Val195Ile)

Gene: LRAT (lecithin retinol acyltransferase; plus strand). Cytogenetic location: 4q32.1.
Variant type: single nucleotide variant.
Coding change: c.583G>A on transcript NM_004744.5 (MANE Select); coding-DNA position 583, G replaced by A.
Protein change: p.Val195Ile; replaces valine 195 with isoleucine.
Molecular consequence: missense variant.
Genome position (GRCh38, 1-based): chr4:154,749,026, G>A. VCF-style: chr4-154749026-G-A. GRCh37 (hg19) VCF-style: chr4-155670178-G-A.
Other names: c.583G>A, p.Val195Ile (NM_001301645.2); short protein forms V195I.
Identifiers: ClinVar variation 1052386 (VCV001052386.6), dbSNP rs200524130, ClinGen allele CA3115911.
Genomic context (GRCh38, chr4:154,749,026, plus strand): 5'-CAATATTTTATTTTCCAGTTTTGTGAGACTGTGAAGATAATTATTCGTGATCAGAGAAGT[G>A]TTCTTGCTTCAGCAGTCTTGGGATTGGCGTCTATAGTCTGTACGGGCTTGGTATCATACA-3'
Protein context (NP_004735.2, residues 185-205): VKIIIRDQRS[Val195Ile]LASAVLGLAS

ClinVar aggregate classification (germline): Uncertain significance (1 of 4 stars; one submission).

Allele frequency attached by ClinVar (database versions not stated): TOPMed 0.00002; gnomAD 0.00001; gnomAD exomes 0.00002; ExAC 0.00002.

Submission:

Labcorp Genetics (formerly Invitae), Labcorp
Classification: Uncertain significance. Last evaluated: 2022-07-25. Review status: criteria provided, single submitter. Criteria: Invitae Variant Classification Sherloc (09022015). Collection method: clinical testing. Allele origin: germline.
Comment: This sequence change replaces valine, which is neutral and non-polar, with isoleucine, which is neutral and non-polar, at codon 195 of the LRAT protein (p.Val195Ile). This variant is present in population databases (rs200524130, gnomAD 0.004%). This variant has not been reported in the literature in individuals affected with LRAT-related conditions. ClinVar contains an entry for this variant (Variation ID: 1052386). Algorithms developed to predict the effect of missense changes on protein structure and function (SIFT, PolyPhen-2, Align-GVGD) all suggest that this variant is likely to be tolerated. In summary, the available evidence is currently insufficient to determine the role of this variant in disease. Therefore, it has been classified as a Variant of Uncertain Significance.